The following is an entry in ClinVar:

NM_003072.5(SMARCA4):c.2733C>T (p.Gly911=)

Gene: SMARCA4 (SWI/SNF related BAF chromatin remodeling complex subunit ATPase 4; plus strand). Cytogenetic location: 19p13.2.
Variant type: single nucleotide variant.
Coding change: c.2733C>T on transcript NM_003072.5 (MANE Select); coding-DNA position 2733, C replaced by T.
Protein change: p.Gly911=; no amino-acid change (glycine 911 retained).
Molecular consequence: synonymous variant. On other transcripts: non-coding transcript variant (1).
Genome position (GRCh38, 1-based): chr19:11,021,841, C>T. VCF-style: chr19-11021841-C-T. GRCh37 (hg19) VCF-style: chr19-11132517-C-T.
Other names: c.2733C>T, p.Gly911= (NM_001128844.3, NM_001128845.2, NM_001128846.2 and 6 more transcripts).
Identifiers: ClinVar variation 1795311 (VCV001795311.8), dbSNP rs2146419355, ClinGen allele CA505743588.

ClinVar aggregate classification (germline): Benign/Likely benign. Review status: criteria provided, multiple submitters, no conflicts (2 of 4 stars). 3 submissions from 3 submitters: Benign (1); Likely benign (2). Last evaluated 2026-07-13.

Conditions:
Hereditary cancer-predisposing syndrome. Also called: Hereditary neoplastic syndrome; Neoplastic Syndromes, Hereditary; Tumor predisposition; Hereditary Cancer Syndrome. Identifiers: Orphanet 140162, MedGen C0027672, MeSH D009386, MONDO:0015356.
Rhabdoid tumor predisposition syndrome 2 (RTPS2). Identifiers: Orphanet 231108, Orphanet 69077, MedGen C2750074, MONDO:0013224, OMIM 613325.

Submissions (3):

Myriad Genetics, Inc.
Classification: Benign for Rhabdoid tumor predisposition syndrome 2. Last evaluated: 2026-07-13. Review status: criteria provided, single submitter. Criteria: Myriad Autosomal Dominant, Autosomal Recessive and X-Linked Classification Criteria (2023). Collection method: clinical testing. Allele origin: unknown.
Comment: This variant is considered benign. This variant is a silent/synonymous amino acid change and it is not expected to impact splicing.

Labcorp Genetics (formerly Invitae), Labcorp
Classification: Likely benign for Rhabdoid tumor predisposition syndrome 2. Last evaluated: 2025-12-23. Review status: criteria provided, single submitter. Criteria: Invitae Variant Classification Sherloc (09022015). Collection method: clinical testing. Allele origin: germline.

Ambry Genetics
Classification: Likely benign for Hereditary cancer-predisposing syndrome. Last evaluated: 2015-08-14. Review status: criteria provided, single submitter. Criteria: Ambry Variant Classification Scheme 2023. Collection method: clinical testing. Allele origin: germline.